The following is an entry in ClinVar:

ClinVar aggregate classification (germline): Conflicting classifications of pathogenicity. Review status: criteria provided, conflicting classifications (1 of 4 stars). 6 submissions from 6 submitters: Uncertain significance (3); Likely benign (1). 2 of the submissions do not count toward it. Last evaluated 2026-01-11.

Conditions:
Mitochondrial neurogastrointestinal encephalomyopathy. Also called: Mitochondrial neurogastrointestinal encephalopathy syndrome; MNGIE syndrome; Thymidine phosphorylase deficiency. Identifiers: Orphanet 298, MedGen C0872218, MONDO:0017575.
Mitochondrial DNA depletion syndrome 1. Also called: Mitochondrial neurogastrointestinal encephalomyopathy syndrome; Mitochondrial Neurogastrointestinal Encephalopathy Disease; MITOCHONDRIAL NEUROGASTROINTESTINAL ENCEPHALOPATHY SYNDROME, TYMP-RELATED; MNGIE, TYMP-RELATED; Mitochondrial DNA Depletion Syndrome, MNGIE Form; POLIP SYNDROME. Identifiers: Orphanet 298, MedGen C4551995, MONDO:0011283, OMIM 603041.

Allele frequency attached by ClinVar (database versions not stated): gnomAD 0.00011 and 0.00013; gnomAD exomes 0.00014 and 0.00032; 1000 Genomes Project 30x 0.00016; TOPMed 0.00017; 1000 Genomes Project 0.00020; ExAC 0.00029; ESP Exome Variant Server 0.00031.

Submissions (6):

Labcorp Genetics (formerly Invitae), Labcorp
Classification: Likely benign. Last evaluated: 2026-01-11. Review status: criteria provided, single submitter. Criteria: Invitae Variant Classification Sherloc (09022015). Collection method: clinical testing. Allele origin: germline.

Mayo Clinic Laboratories, Mayo Clinic
Classification: Uncertain significance. Last evaluated: 2022-12-09. Review status: criteria provided, single submitter. Criteria: ACMG Guidelines, 2015. Collection method: clinical testing. Allele origin: germline. Observed: 2 variant alleles.
Comment: BS1, PP3

GeneDx
Classification: Uncertain significance. Last evaluated: 2019-10-25. Review status: criteria provided, single submitter. Criteria: GeneDx Variant Classification Process June 2021. Collection method: clinical testing. Allele origin: germline. Affected: yes.
Comment: In silico analysis, which includes protein predictors and evolutionary conservation, supports a deleterious effect

Illumina Laboratory Services, Illumina
Classification: Uncertain significance for Mitochondrial DNA depletion syndrome 1. Last evaluated: 2018-01-12. Review status: criteria provided, single submitter. Criteria: ICSL Variant Classification Criteria 13 December 2019. Collection method: clinical testing. Allele origin: germline.

Natera, Inc.
Classification: Uncertain significance for Mitochondrial neurogastrointestinal encephalomyopathy. Last evaluated: 2020-01-09. Review status: no assertion criteria provided. Collection method: clinical testing. Allele origin: germline. Not counted in ClinVar's aggregate classification.

Counsyl
Classification: Uncertain significance for Mitochondrial DNA depletion syndrome 1. Last evaluated: 2017-05-04. Review status: no assertion criteria provided. Collection method: clinical testing. Allele origin: unknown. Not counted in ClinVar's aggregate classification.

Literature cited by the submitters: PubMed 27104957 (cited by Mayo Clinic Laboratories, Mayo Clinic).

NM_001953.5(TYMP):c.437G>A (p.Arg146His)

Gene: TYMP (thymidine phosphorylase; minus strand). Cytogenetic location: 22q13.33.
Variant type: single nucleotide variant.
Coding change: c.437G>A on transcript NM_001953.5 (MANE Select); coding-DNA position 437, G replaced by A.
Protein change: p.Arg146His; replaces arginine 146 with histidine.
Molecular consequence: missense variant.
Genome position (GRCh38, 1-based): chr22:50,528,591, C>T on the plus strand (G>A on the coding strand, the complement: TYMP is on the minus strand). VCF-style: chr22-50528591-C-T. GRCh37 (hg19) VCF-style: chr22-50967020-C-T.
Other names: p.Arg146His; c.437G>A, p.Arg146His (LRG_727t1, LRG_727t2, NM_001113755.3 and 3 more transcripts); short protein forms R146H.
Identifiers: ClinVar variation 215332 (VCV000215332.17), dbSNP rs188802138, ClinGen allele CA323181.